The following is an entry in ClinVar:

NM_006899.5(IDH3B):c.82A>G (p.Thr28Ala)

Gene: IDH3B (isocitrate dehydrogenase (NAD(+)) 3 non-catalytic subunit beta; minus strand). Cytogenetic location: 20p13.
Variant type: single nucleotide variant.
Coding change: c.82A>G on transcript NM_006899.5 (MANE Select); coding-DNA position 82, A replaced by G.
Protein change: p.Thr28Ala; replaces threonine 28 with alanine.
Molecular consequence: missense variant. On other transcripts: non-coding transcript variant (1).
Genome position (GRCh38, 1-based): chr20:2,663,960, T>C on the plus strand (A>G on the coding strand, the complement: IDH3B is on the minus strand). VCF-style: chr20-2663960-T-C. GRCh37 (hg19) VCF-style: chr20-2644606-T-C.
Other names: c.82A>G, p.Thr28Ala (NM_001258384.3, NM_001330763.2, NM_174855.4); short protein forms T28A.
Identifiers: ClinVar variation 1479928 (VCV001479928.8), dbSNP rs574960016, ClinGen allele CA9735417.

ClinVar aggregate classification (germline): Uncertain significance (1 of 4 stars; one submission).

Allele frequency attached by ClinVar (database versions not stated): ExAC 0.00001; gnomAD 0.00001.

Submission:

Labcorp Genetics (formerly Invitae), Labcorp
Classification: Uncertain significance. Last evaluated: 2022-06-13. Review status: criteria provided, single submitter. Criteria: Invitae Variant Classification Sherloc (09022015). Collection method: clinical testing. Allele origin: germline.
Comment: In summary, the available evidence is currently insufficient to determine the role of this variant in disease. Therefore, it has been classified as a Variant of Uncertain Significance. Algorithms developed to predict the effect of missense changes on protein structure and function are either unavailable or do not agree on the potential impact of this missense change (SIFT: "Not Available"; PolyPhen-2: "Benign"; Align-GVGD: "Not Available"). This variant has not been reported in the literature in individuals affected with IDH3B-related conditions. This variant is present in population databases (rs574960016, gnomAD 0.0009%). This sequence change replaces threonine, which is neutral and polar, with alanine, which is neutral and non-polar, at codon 28 of the IDH3B protein (p.Thr28Ala).